The following is an entry in ClinVar:

NM_005763.4(AASS):c.2762A>G (p.Gln921Arg)

Gene: AASS (aminoadipate-semialdehyde synthase; minus strand). Cytogenetic location: 7q31.32.
Variant type: single nucleotide variant.
Coding change: c.2762A>G on transcript NM_005763.4 (MANE Select); coding-DNA position 2762, A replaced by G.
Protein change: p.Gln921Arg; replaces glutamine 921 with arginine.
Molecular consequence: missense variant.
Genome position (GRCh38, 1-based): chr7:122,076,508, T>C on the plus strand (A>G on the coding strand, the complement: AASS is on the minus strand). VCF-style: chr7-122076508-T-C. GRCh37 (hg19) VCF-style: chr7-121716562-T-C.
Other names: short protein forms Q921R.
Identifiers: ClinVar variation 252652 (VCV000252652.30), dbSNP rs140285200, ClinGen allele CA4457935.

ClinVar aggregate classification (germline): Uncertain significance. Review status: criteria provided, multiple submitters, no conflicts (2 of 4 stars). 4 submissions from 4 submitters: Uncertain significance (4). Last evaluated 2026-01-19.

Conditions:
Saccharopinuria. Also called: SACCHAROPINE DEHYDROGENASE DEFICIENCY; HYPERLYSINEMIA, TYPE II. Identifiers: Orphanet 3124, MedGen C0268556, MONDO:0010005, OMIM 268700.
Hyperlysinemia. Also called: Hyperlysinemias. Identifiers: Orphanet 2203, MedGen C0268553, MONDO:0009388, HP:0002161.

Allele frequency attached by ClinVar (database versions not stated): ESP Exome Variant Server 0.00008; 1000 Genomes Project 0.00020; 1000 Genomes Project 30x 0.00031; TOPMed 0.00035; gnomAD exomes 0.00037 and 0.00052; gnomAD 0.00042 and 0.00046; ExAC 0.00046.
gnomAD v4.1: 595 of 1,611,684 alleles (0.037%); highest among the groups gnomAD compares: Admixed American, 0.095%; 1 homozygote.

Submissions (4):

Labcorp Genetics (formerly Invitae), Labcorp
Classification: Uncertain significance. Last evaluated: 2026-01-19. Review status: criteria provided, single submitter. Criteria: Invitae Variant Classification Sherloc (09022015). Collection method: clinical testing. Allele origin: germline.
Comment: This sequence change replaces glutamine, which is neutral and polar, with arginine, which is basic and polar, at codon 921 of the AASS protein (p.Gln921Arg). This variant is present in population databases (rs140285200, gnomAD 0.2%), and has an allele count higher than expected for a pathogenic variant. This variant has not been reported in the literature in individuals affected with AASS-related conditions. ClinVar contains an entry for this variant (Variation ID: 252652). Invitae Evidence Modeling of protein sequence and biophysical properties (such as structural, functional, and spatial information, amino acid conservation, physicochemical variation, residue mobility, and thermodynamic stability) indicates that this missense variant is not expected to disrupt AASS protein function with a negative predictive value of 80%. In summary, the available evidence is currently insufficient to determine the role of this variant in disease. Therefore, it has been classified as a Variant of Uncertain Significance.

CeGaT Center for Human Genetics Tuebingen
Classification: Uncertain significance. Last evaluated: 2022-06-01. Review status: criteria provided, single submitter. Criteria: CeGaT Center For Human Genetics Tuebingen Variant Classification Criteria Version 2. Collection method: clinical testing. Allele origin: germline. Affected: yes. Observed: 1 variant allele.
Comment: AASS: PM2, BP4

Fulgent Genetics
Classification: Uncertain significance for HYPERLYSINEMIA, TYPE I; Saccharopinuria. Last evaluated: 2018-10-31. Review status: criteria provided, single submitter. Criteria: ACMG Guidelines, 2015. Collection method: clinical testing. Allele origin: unknown.

Genomic Diagnostic Laboratory, Division of Genomic Diagnostics, Children's Hospital of Philadelphia
Classification: Uncertain significance. Last evaluated: 2015-10-12. Review status: criteria provided, single submitter. Criteria: DGD Variant Analysis Guidelines. Collection method: clinical testing. Allele origin: unknown.